The following is an entry in ClinVar:

NM_000787.4(DBH):c.1156_1158del (p.Leu386del)

Gene: DBH (dopamine beta-hydroxylase; plus strand). Cytogenetic location: 9q34.2.
Variant type: Deletion.
Coding change: c.1156_1158del on transcript NM_000787.4 (MANE Select); coding-DNA positions 1156 to 1158, 3 bases deleted (CTC; older notation c.1156_1158delCTC).
Protein change: p.Leu386del; deletes leucine 386.
Molecular consequence: inframe deletion.
Genome position (GRCh38, 1-based): chr9:133,647,977-133,647,979, CTC deleted; deleting any 3 consecutive bases within chr9:133,647,975-133,647,979 gives the same sequence; the c. name uses the placement nearest the transcript's 3' end. VCF-style (leftmost placement, unchanged base first): chr9-133647974-ATCC-A. GRCh37 (hg19) VCF-style: chr9-136513096-ATCC-A.
Other names: short protein forms L386del.
Identifiers: ClinVar variation 2297265 (VCV002297265.2), dbSNP rs757824765, ClinGen allele CA5313332.

ClinVar aggregate classification (germline): Uncertain significance (1 of 4 stars; one submission).

Conditions:
Inborn genetic diseases. Identifiers: MedGen C0950123, MeSH D030342.

Submission:

Ambry Genetics
Classification: Uncertain significance for Inborn genetic diseases. Last evaluated: 2022-07-07. Review status: criteria provided, single submitter. Criteria: Ambry Variant Classification Scheme 2023. Collection method: clinical testing. Allele origin: germline.
Comment: The c.1156_1158delCTC (p.L386del) alteration is located in exon 6 (coding exon 6) of the DBH gene. This alteration consists of an in-frame deletion of 3 nucleotides between nucleotide positions c.1156 and c.1158, resulting in the deletion of <NA> residues. Based on insufficient or conflicting evidence, the clinical significance of this alteration remains unclear.